The following is an entry in ClinVar:

ClinVar aggregate classification (germline): Uncertain significance (1 of 4 stars; one submission).

Allele frequency attached by ClinVar (database versions not stated): gnomAD exomes below 0.00001.
gnomAD v4.1: 3 of 1,611,016 alleles (0.00019%); highest among the groups gnomAD compares: Non-Finnish European, 0.00025%; no homozygotes.

Submission:

Ambry Genetics
Classification: Uncertain significance. Last evaluated: 2022-05-02. Review status: criteria provided, single submitter. Criteria: Ambry Variant Classification Scheme 2023. Collection method: clinical testing. Allele origin: germline.
Comment: The p.F319L variant (also known as c.955T>C), located in coding exon 10 of the PRKDC gene, results from a T to C substitution at nucleotide position 955. The phenylalanine at codon 319 is replaced by leucine, an amino acid with highly similar properties. This amino acid position is conserved. In addition, the in silico prediction for this alteration is inconclusive. Since supporting evidence is limited at this time, the clinical significance of this alteration remains unclear.

NM_006904.7(PRKDC):c.955T>C (p.Phe319Leu)

Gene: PRKDC (protein kinase, DNA-activated, catalytic subunit; minus strand). Cytogenetic location: 8q11.21.
Variant type: single nucleotide variant.
Coding change: c.955T>C on transcript NM_006904.7 (MANE Select); coding-DNA position 955, T replaced by C.
Protein change: p.Phe319Leu; replaces phenylalanine 319 with leucine.
Molecular consequence: missense variant.
Genome position (GRCh38, 1-based): chr8:47,943,220, A>G on the plus strand (T>C on the coding strand, the complement: PRKDC is on the minus strand). VCF-style: chr8-47943220-A-G. GRCh37 (hg19) VCF-style: chr8-48855780-A-G.
Other names: c.955T>C, p.Phe319Leu (NM_001081640.2); short protein forms F319L.
Identifiers: ClinVar variation 1767390 (VCV001767390.2), dbSNP rs2551880595, ClinGen allele CA371136010.
Genomic context (GRCh38, chr8:47,943,220, plus strand): 5'-TTCTGTGTGTGAAAGAAATATTGTTAAATGACAGTTGAATTTGTGGTACCTGTTTCAGAA[A>G]GGATTCCAGGGCTGAAAGTGCAGCTTTTTTCAATTCTACATTTGTGTGGGCACACCACTT-3'
Protein context (NP_008835.5, residues 309-329): KKAALSALES[Phe319Leu]LKQVSNMVAK